The following is an entry in ClinVar:

ClinVar aggregate classification (germline): Pathogenic (1 of 4 stars; one submission).

Conditions:
Long QT syndrome (LQTS). Identifiers: MedGen C0023976, MeSH D008133, MONDO:0002442. Disease mechanism: loss of function. Inheritance: Various modes of inheritance.

Submission:

Labcorp Genetics (formerly Invitae), Labcorp
Classification: Pathogenic for Long QT syndrome. Last evaluated: 2023-04-22. Review status: criteria provided, single submitter. Criteria: Invitae Variant Classification Sherloc (09022015). Collection method: clinical testing. Allele origin: germline.
Comment: This variant has not been reported in the literature in individuals affected with KCNH2-related conditions. For these reasons, this variant has been classified as Pathogenic. This variant is not present in population databases (gnomAD no frequency). This sequence change creates a premature translational stop signal (p.Val279Cysfs*81) in the KCNH2 gene. It is expected to result in an absent or disrupted protein product. Loss-of-function variants in KCNH2 are known to be pathogenic (PMID: 10973849, 19862833).

Literature cited by the submitters: PubMed 10973849; PubMed 19862833.

NM_000238.4(KCNH2):c.835del (p.Val279fs)

Gene: KCNH2 (potassium voltage-gated channel subfamily H member 2; minus strand). Cytogenetic location: 7q36.1.
Variant type: Deletion.
Coding change: c.835del on transcript NM_000238.4 (MANE Select); coding-DNA position 835, one base deleted (G; older notation c.835delG).
Protein change: p.Val279fs; shifts the reading frame from valine 279.
Molecular consequence: frameshift variant. On other transcripts: non-coding transcript variant (1).
Genome position (GRCh38, 1-based): chr7:150,958,140, C deleted on the plus strand (G on the coding strand, the reverse complement: KCNH2 is on the minus strand). VCF-style (leftmost placement, unchanged base first): chr7-150958139-AC-A. GRCh37 (hg19) VCF-style: chr7-150655227-AC-A.
Other names: c.547del, p.Val183fs (NM_001406753.1, NM_001406756.1); c.658del, p.Val220fs (NM_001406755.1); c.535del, p.Val179fs (NM_001406757.1); c.835del, p.Val279fs (NM_172056.3); short protein forms V179fs, V183fs, V279fs, V220fs.
Identifiers: ClinVar variation 2858211 (VCV002858211.3), dbSNP rs2486089063, ClinGen allele CA2739278347.